The following is an entry in ClinVar:

ClinVar aggregate classification (germline): Uncertain significance (1 of 4 stars; one submission).

Allele frequency attached by ClinVar (database versions not stated): gnomAD 0.00001; ExAC 0.00002; gnomAD exomes 0.00002; TOPMed 0.00002; ESP Exome Variant Server 0.00008.
gnomAD v4.1: 33 of 1,613,856 alleles (0.002%); highest among the groups gnomAD compares: East Asian, 0.0045%; no homozygotes.

Submission:

Labcorp Genetics (formerly Invitae), Labcorp
Classification: Uncertain significance. Last evaluated: 2022-06-28. Review status: criteria provided, single submitter. Criteria: Invitae Variant Classification Sherloc (09022015). Collection method: clinical testing. Allele origin: germline.
Comment: This variant disrupts the p. Ala627 amino acid residue in TRAPPC12. Other variant(s) that disrupt this residue have been determined to be pathogenic (PMID: 28777934, 32369837). This suggests that this residue is clinically significant, and that variants that disrupt this residue are likely to be disease-causing. In summary, the available evidence is currently insufficient to determine the role of this variant in disease. Therefore, it has been classified as a Variant of Uncertain Significance. Algorithms developed to predict the effect of missense changes on protein structure and function are either unavailable or do not agree on the potential impact of this missense change (SIFT: "Not Available"; PolyPhen-2: "Probably Damaging"; Align-GVGD: "Not Available"). This variant has not been reported in the literature in individuals affected with TRAPPC12-related conditions. This variant is present in population databases (rs375729532, gnomAD 0.01%). This sequence change replaces alanine, which is neutral and non-polar, with threonine, which is neutral and polar, at codon 627 of the TRAPPC12 protein (p.Ala627Thr).

Literature cited by the submitters: PubMed 28777934; PubMed 32369837.

NM_016030.6(TRAPPC12):c.1879G>A (p.Ala627Thr)

Genes: TRAPPC12 (trafficking protein particle complex subunit 12; plus strand), TRAPPC12-AS1 (TRAPPC12 antisense RNA 1; minus strand). Cytogenetic location: 2p25.3.
Variant type: single nucleotide variant.
Coding change: c.1879G>A on transcript NM_016030.6 (MANE Select); coding-DNA position 1879, G replaced by A.
Protein change: p.Ala627Thr; replaces alanine 627 with threonine.
Molecular consequence: missense variant. On other transcripts: non-coding transcript variant (1).
Genome position (GRCh38, 1-based): chr2:3,478,847, G>A. VCF-style: chr2-3478847-G-A. GRCh37 (hg19) VCF-style: chr2-3482618-G-A.
Other names: c.1879G>A, p.Ala627Thr (NM_001321102.2); short protein forms A627T.
Identifiers: ClinVar variation 2175796 (VCV002175796.4), dbSNP rs375729532, ClinGen allele CA1515708.
Genomic context (GRCh38, chr2:3,478,847, plus strand): 5'-TTGGGGGACAGCAGCTCCTGGGCTTTCCCCGCTAACTGCCACCGTTGCTTGTGTTACAGC[G>A]CGTTCCTTCACCTCGGGCAGAATAACTTTGCAGAAGCCCACAGGTTCTTCACAGAGATCT-3'
Protein context (NP_057114.5, residues 617-637): QGKIMVLMNS[Ala627Thr]FLHLGQNNFA